The following is an entry in ClinVar:

ClinVar aggregate classification (germline): Uncertain significance (1 of 4 stars; one submission).

Allele frequency attached by ClinVar (database versions not stated): gnomAD exomes below 0.00001.
gnomAD v4.1: 6 of 1,614,180 alleles (0.00037%); highest among the groups gnomAD compares: Non-Finnish European, 0.00042%; no homozygotes.

Submission:

Labcorp Genetics (formerly Invitae), Labcorp
Classification: Uncertain significance. Last evaluated: 2021-08-16. Review status: criteria provided, single submitter. Criteria: Invitae Variant Classification Sherloc (09022015). Collection method: clinical testing. Allele origin: germline.
Comment: In summary, the available evidence is currently insufficient to determine the role of this variant in disease. Therefore, it has been classified as a Variant of Uncertain Significance. Algorithms developed to predict the effect of missense changes on protein structure and function are either unavailable or do not agree on the potential impact of this missense change (SIFT: "Deleterious"; PolyPhen-2: "Possibly Damaging"; Align-GVGD: "Class C0"). This variant has not been reported in the literature in individuals affected with ADAMTS10-related conditions. This variant is not present in population databases (ExAC no frequency). This sequence change replaces valine with methionine at codon 179 of the ADAMTS10 protein (p.Val179Met). The valine residue is highly conserved and there is a small physicochemical difference between valine and methionine.

NM_030957.4(ADAMTS10):c.535G>A (p.Val179Met)

Gene: ADAMTS10 (ADAM metallopeptidase with thrombospondin type 1 motif 10; minus strand). Cytogenetic location: 19p13.2.
Variant type: single nucleotide variant.
Coding change: c.535G>A on transcript NM_030957.4 (MANE Select); coding-DNA position 535, G replaced by A.
Protein change: p.Val179Met; replaces valine 179 with methionine.
Molecular consequence: missense variant.
Genome position (GRCh38, 1-based): chr19:8,603,785, C>T on the plus strand (G>A on the coding strand, the complement: ADAMTS10 is on the minus strand). VCF-style: chr19-8603785-C-T. GRCh37 (hg19) VCF-style: chr19-8668669-C-T.
Other names: short protein forms V179M.
Identifiers: ClinVar variation 1384842 (VCV001384842.6), dbSNP rs2042691171, ClinGen allele CA403757026.